The following is an entry in ClinVar:

NM_170682.4(P2RX2):c.887C>T (p.Ser296Leu)

Gene: P2RX2 (purinergic receptor P2X 2; plus strand). Cytogenetic location: 12q24.33.
Variant type: single nucleotide variant.
Coding change: c.887C>T on transcript NM_170682.4 (MANE Select); coding-DNA position 887, C replaced by T.
Protein change: p.Ser296Leu; replaces serine 296 with leucine.
Molecular consequence: missense variant.
Genome position (GRCh38, 1-based): chr12:132,621,113, C>T. VCF-style: chr12-132621113-C-T. GRCh37 (hg19) VCF-style: chr12-133197699-C-T.
Other names: c.785C>T, p.Ser262Leu (NM_001282164.2); c.887C>T, p.Ser296Leu (NM_001282165.2, NM_170683.4, NM_174873.3); c.671C>T, p.Ser224Leu (NM_012226.5); c.815C>T, p.Ser272Leu (NM_016318.4); c.611C>T, p.Ser204Leu (NM_174872.3); short protein forms S204L, S224L, S262L, S272L, S296L.
Identifiers: ClinVar variation 1217994 (VCV001217994.6), dbSNP rs140717688, ClinGen allele CA6891690.
Genomic context (GRCh38, chr12:132,621,113, plus strand): 5'-CATCGGAGTGCAACCCCAAGTACTCCTTCCGGAGGCTTGACCCCAAGCACGTGCCTGCCT[C>T]GTCAGGCTACAACTTCAGGTGCTGTACTTGGGACACCGCTGTCCACACTGGCATAGCTGT-3'
Protein context (NP_733782.1, residues 286-306): RRLDPKHVPA[Ser296Leu]SGYNFRFAKY

ClinVar aggregate classification (germline): Conflicting classifications of pathogenicity. Review status: criteria provided, conflicting classifications (1 of 4 stars). 3 submissions from 3 submitters: Uncertain significance (1); Likely benign (2). Last evaluated 2025-10-24.

Allele frequency attached by ClinVar (database versions not stated): gnomAD exomes 0.00002 and 0.00004; gnomAD 0.00012; ESP Exome Variant Server 0.00015; ExAC 0.00005; TOPMed 0.00013.

Submissions (3):

Labcorp Genetics (formerly Invitae), Labcorp
Classification: Uncertain significance. Last evaluated: 2025-10-24. Review status: criteria provided, single submitter. Criteria: Invitae Variant Classification Sherloc (09022015). Collection method: clinical testing. Allele origin: germline.
Comment: This sequence change replaces serine, which is neutral and polar, with leucine, which is neutral and non-polar, at codon 296 of the P2RX2 protein (p.Ser296Leu). This variant is present in population databases (rs140717688, gnomAD 0.05%), and has an allele count higher than expected for a pathogenic variant. This variant has not been reported in the literature in individuals affected with P2RX2-related conditions. ClinVar contains an entry for this variant (Variation ID: 1217994). Invitae Evidence Modeling of protein sequence and biophysical properties (such as structural, functional, and spatial information, amino acid conservation, physicochemical variation, residue mobility, and thermodynamic stability) indicates that this missense variant is expected to disrupt P2RX2 protein function with a positive predictive value of 80%. In summary, the available evidence is currently insufficient to determine the role of this variant in disease. Therefore, it has been classified as a Variant of Uncertain Significance.

GeneDx
Classification: Likely benign. Last evaluated: 2020-05-20. Review status: criteria provided, single submitter. Criteria: GeneDx Variant Classification Process June 2021. Collection method: clinical testing. Allele origin: germline. Affected: yes.
Comment: In silico analysis supports that this missense variant has a deleterious effect on protein structure/function; Has not been previously published as pathogenic or benign to our knowledge; This variant is associated with the following publications: (PMID: 31981491)

Breakthrough Genomics
Classification: Likely benign. Review status: criteria provided, single submitter. Criteria: ACMG Guidelines, 2015. Collection method: not provided. Allele origin: germline. Inheritance: Autosomal dominant inheritance. Affected: yes.